The following is an entry in ClinVar:

ClinVar aggregate classification (germline): Uncertain significance (1 of 4 stars; one submission).

Submission:

GeneDx
Classification: Uncertain significance. Last evaluated: 2026-09-09. Review status: criteria provided, single submitter. Criteria: GeneDx Variant Classification Process June 2021. Collection method: clinical testing. Allele origin: germline.
Comment: Not observed at significant frequency in large population cohorts (gnomAD); In silico analysis suggests that this missense variant does not alter protein structure/function; Has not been previously published as pathogenic or benign to our knowledge.

NM_006885.4(ZFHX3):c.6385G>C (p.Ala2129Pro)

Genes: ZFHX3 (zinc finger homeobox 3; minus strand), ZFHX3-AS1 (ZFHX3 antisense RNA 1; plus strand). Cytogenetic location: 16q22.2.
Variant type: single nucleotide variant.
Coding change: c.6385G>C on transcript NM_006885.4 (MANE Select); coding-DNA position 6385, G replaced by C.
Protein change: p.Ala2129Pro; replaces alanine 2129 with proline.
Molecular consequence: missense variant.
Genome position (GRCh38, 1-based): chr16:72,796,297, C>G on the plus strand (G>C on the coding strand, the complement: ZFHX3 is on the minus strand). VCF-style: chr16-72796297-C-G. GRCh37 (hg19) VCF-style: chr16-72830196-C-G.
Other names: c.3643G>C, p.Ala1215Pro (NM_001164766.2); c.6385G>C, p.Ala2129Pro (NM_001386735.1); short protein forms A1215P, A2129P.
Identifiers: ClinVar variation 3903151 (VCV003903151.2).